The following is an entry in ClinVar:

ClinVar aggregate classification (germline): Uncertain significance (1 of 4 stars; one submission).

Allele frequency attached by ClinVar (database versions not stated): gnomAD 0.00001; ExAC 0.00002; gnomAD exomes 0.00002 and 0.00003.
gnomAD v4.1: 45 of 1,573,028 alleles (0.0029%); highest among the groups gnomAD compares: East Asian, 0.02%; no homozygotes.

Submission:

Labcorp Genetics (formerly Invitae), Labcorp
Classification: Uncertain significance. Last evaluated: 2024-12-16. Review status: criteria provided, single submitter. Criteria: Invitae Variant Classification Sherloc (09022015). Collection method: clinical testing. Allele origin: germline.
Comment: This sequence change affects codon 591 of the TBCK mRNA. It is a 'silent' change, meaning that it does not change the encoded amino acid sequence of the TBCK protein. It affects a nucleotide within the consensus splice site. This variant is present in population databases (rs752110714, gnomAD 0.02%). This variant has not been reported in the literature in individuals affected with TBCK-related conditions. ClinVar contains an entry for this variant (Variation ID: 1474224). Algorithms developed to predict the effect of sequence changes on RNA splicing suggest that this variant may disrupt the consensus splice site. In summary, the available evidence is currently insufficient to determine the role of this variant in disease. Therefore, it has been classified as a Variant of Uncertain Significance.

NM_001163435.3(TBCK):c.1773A>G (p.Gln591=)

Gene: TBCK (TBC1 domain containing kinase; minus strand). Cytogenetic location: 4q24.
Variant type: single nucleotide variant.
Coding change: c.1773A>G on transcript NM_001163435.3 (MANE Select); coding-DNA position 1773, A replaced by G.
Protein change: p.Gln591=; no amino-acid change (glutamine 591 retained).
Molecular consequence: synonymous variant.
Genome position (GRCh38, 1-based): chr4:106,230,364, T>C on the plus strand (A>G on the coding strand, the complement: TBCK is on the minus strand). VCF-style: chr4-106230364-T-C. GRCh37 (hg19) VCF-style: chr4-107151521-T-C.
Other names: c.1773A>G, p.Gln591= (NM_001163436.4); c.1656A>G, p.Gln552= (NM_001163437.3); c.1257A>G, p.Gln419= (NM_001290768.2); c.1584A>G, p.Gln528= (NM_033115.5).
Identifiers: ClinVar variation 1474224 (VCV001474224.6), dbSNP rs752110714, ClinGen allele CA3034953.